The following is an entry in ClinVar:

NM_007294.4(BRCA1):c.4838_4839insCC (p.Pro1614fs)

Gene: BRCA1 (BRCA1 DNA repair associated; minus strand). Cytogenetic location: 17q21.31.
Variant type: Insertion.
Coding change: c.4838_4839insCC on transcript NM_007294.4 (MANE Select); coding-DNA positions 4838 to 4839, CC inserted.
Protein change: p.Pro1614fs; shifts the reading frame from proline 1614.
Molecular consequence: frameshift variant. On other transcripts: intron variant (1).
Genome position: GRCh38 VCF-style: chr17-43071075-A-AGG. GRCh37 (hg19) VCF-style: chr17-41223092-A-AGG.
Other names: c.1448_1449insCC, p.Pro484fs (NM_001408414.1, NM_001408415.1, NM_001408416.1 and 2 more transcripts); c.1412_1413insCC, p.Pro472fs (NM_001408418.1, NM_001408419.1, NM_001408420.1); c.1409_1410insCC, p.Pro471fs (NM_001408421.1, NM_001408422.1, NM_001408423.1 and 1 more transcripts); c.1406_1407insCC, p.Pro470fs (NM_001408425.1, NM_001408426.1, NM_001408427.1 and 4 more transcripts); c.1403_1404insCC, p.Pro469fs (NM_001408432.1, NM_001408433.1, NM_001408434.1 and 10 more transcripts); c.1400_1401insCC, p.Pro468fs (NM_001408445.1, NM_001408446.1, NM_001408447.1 and 2 more transcripts); c.1394_1395insCC, p.Pro466fs (NM_001408451.1); c.1388_1389insCC, p.Pro464fs (NM_001408452.1, NM_001408453.1, NM_001408456.1 and 3 more transcripts); and 71 more; short protein forms P1317fs, P1318fs, P1445fs, P1460fs, P1485fs, P1486fs, P1487fs, P1501fs.
Identifiers: ClinVar variation 3769476 (VCV003769476.2).
Genomic context (GRCh38, chr17:43,071,075, plus strand): 5'-GCTCACACTTTCTTCCATTGCATTATACCCAGCAGTATCAGTAGTATGAGCAGCAGCTGG[A>AGG]CTCTGGGCAGATTCTGCAACTTTCAATTGGGGAACTTTCAATGCAGAGGTTGAAGATGGT-3'

ClinVar aggregate classification (germline): Pathogenic (1 of 4 stars; one submission).

Conditions:
Hereditary breast ovarian cancer syndrome. Also called: Hereditary breast and/or ovarian cancer syndrome; Hereditary breast and ovarian cancer; BRCA1- and BRCA2-Associated Hereditary Breast and Ovarian Cancer; Hereditary breast and ovarian cancer syndrome; Hereditary breast and ovarian cancer syndrome (HBOC); Breast and ovarian cancer. Identifiers: Orphanet 145, MedGen C0677776, MeSH D061325, MONDO:0003582. Disease mechanism: loss of function.

Submission:

Women's Health and Genetics/Laboratory Corporation of America, LabCorp
Classification: Pathogenic for Hereditary breast ovarian cancer syndrome. Last evaluated: 2025-01-23. Review status: criteria provided, single submitter. Criteria: LabCorp Variant Classification Summary - May 2015. Collection method: clinical testing. Allele origin: germline.
Comment: Variant summary: BRCA1 c.4838_4839insCC (p.Pro1614Leufs*20) results in a premature termination codon, predicted to cause a truncation of the encoded protein or absence of the protein due to nonsense mediated decay, which are commonly known mechanisms for disease. The variant was absent in 251396 control chromosomes. To our knowledge, no occurrence of c.4838_4839insCC in individuals affected with Hereditary Breast And Ovarian Cancer Syndrome and no experimental evidence demonstrating its impact on protein function have been reported. No submitters have cited clinical-significance assessments for this variant to ClinVar. However, other frameshift variants at this position and other variants downstream of this position have been reported as pathogenic in ClinVar. Based on the evidence outlined above, the variant was classified as pathogenic.